The following is an entry in ClinVar:

NM_004738.5(VAPB):c.421A>G (p.Ile141Val)

Gene: VAPB (VAMP associated protein B and C; plus strand). Cytogenetic location: 20q13.32.
Variant type: single nucleotide variant.
Coding change: c.421A>G on transcript NM_004738.5 (MANE Select); coding-DNA position 421, A replaced by G.
Protein change: p.Ile141Val; replaces isoleucine 141 with valine.
Molecular consequence: missense variant. On other transcripts: non-coding transcript variant (1), intron variant (1).
Genome position (GRCh38, 1-based): chr20:58,440,931, A>G. VCF-style: chr20-58440931-A-G. GRCh37 (hg19) VCF-style: chr20-57015987-A-G.
Other names: c.212-3146A>G (NM_001195677.2); short protein forms I141V.
Identifiers: ClinVar variation 1009230 (VCV001009230.9), dbSNP rs1392475929, ClinGen allele CA409439558.

ClinVar aggregate classification (germline): Uncertain significance (1 of 4 stars; one submission).

Conditions:
Amyotrophic lateral sclerosis type 8 (ALS8). Identifiers: Orphanet 803, MedGen C1837728, MONDO:0012077, OMIM 608627.
Adult-onset proximal spinal muscular atrophy, autosomal dominant. Also called: Spinal muscular atrophy, late-onset, finkel type; FINKEL LATE-ADULT TYPE SMA. Identifiers: Orphanet 209335, MedGen C1854058, MONDO:0008453, OMIM 182980.

Allele frequency attached by ClinVar (database versions not stated): gnomAD exomes 0.00001.
gnomAD v4.1: 9 of 1,613,914 alleles (0.00056%); highest among the groups gnomAD compares: Non-Finnish European, 0.00076%; no homozygotes.

Submission:

Labcorp Genetics (formerly Invitae), Labcorp
Classification: Uncertain significance for Adult-onset proximal spinal muscular atrophy, autosomal dominant; Amyotrophic lateral sclerosis type 8. Last evaluated: 2024-09-06. Review status: criteria provided, single submitter. Criteria: Invitae Variant Classification Sherloc (09022015). Collection method: clinical testing. Allele origin: germline.
Comment: This sequence change replaces isoleucine, which is neutral and non-polar, with valine, which is neutral and non-polar, at codon 141 of the VAPB protein (p.Ile141Val). This variant is not present in population databases (gnomAD no frequency). This variant has not been reported in the literature in individuals affected with VAPB-related conditions. ClinVar contains an entry for this variant (Variation ID: 1009230). Invitae Evidence Modeling of protein sequence and biophysical properties (such as structural, functional, and spatial information, amino acid conservation, physicochemical variation, residue mobility, and thermodynamic stability) indicates that this missense variant is not expected to disrupt VAPB protein function with a negative predictive value of 80%. In summary, the available evidence is currently insufficient to determine the role of this variant in disease. Therefore, it has been classified as a Variant of Uncertain Significance.